The following is an entry in ClinVar:

ClinVar aggregate classification (germline): Uncertain significance (1 of 4 stars; one submission).

Allele frequency attached by ClinVar (database versions not stated): TOPMed below 0.00001.

Submission:

Centre of Medical Genetics, University Hospital Muenster
Classification: Uncertain significance. Last evaluated: 2022-09-30. Review status: criteria provided, single submitter. Criteria: ACMG Guidelines, 2015. Collection method: clinical testing. Allele origin: unknown. Affected: yes. Observed: 1 variant allele, 1 heterozygote.
Comment: ACMG categories: PM2

NM_021956.5(GRIK2):c.541+3A>G

Gene: GRIK2 (glutamate ionotropic receptor kainate type subunit 2; plus strand). Cytogenetic location: 6q16.3.
Variant type: single nucleotide variant.
Coding change: c.541+3A>G on transcript NM_021956.5 (MANE Select); 3 bases into the intron after coding-DNA position 541, A replaced by G.
Molecular consequence: intron variant.
Genome position (GRCh38, 1-based): chr6:101,626,640, A>G. VCF-style: chr6-101626640-A-G. GRCh37 (hg19) VCF-style: chr6-102074515-A-G.
Other names: c.541+3A>G (NM_175768.3, NM_001166247.1).
Identifiers: ClinVar variation 1708421 (VCV001708421.2), dbSNP rs1377404652, ClinGen allele CA816369832.